The following is an entry in ClinVar:

NM_001035.3(RYR2):c.2342A>G (p.Asn781Ser)

Gene: RYR2 (ryanodine receptor 2; plus strand). Cytogenetic location: 1q43.
Variant type: single nucleotide variant.
Coding change: c.2342A>G on transcript NM_001035.3 (MANE Select); coding-DNA position 2342, A replaced by G.
Protein change: p.Asn781Ser; replaces asparagine 781 with serine.
Molecular consequence: missense variant.
Genome position (GRCh38, 1-based): chr1:237,500,849, A>G. VCF-style: chr1-237500849-A-G. GRCh37 (hg19) VCF-style: chr1-237664149-A-G.
Other names: short protein forms N781S.
Identifiers: ClinVar variation 4757567 (VCV004757567.1).

ClinVar aggregate classification (germline): Uncertain significance (1 of 4 stars; one submission).

Conditions:
Cardiomyopathy (CMYO). Also called: Cardiomyopathies. Identifiers: Orphanet 167848, MedGen C0878544, MONDO:0004994, HP:0001638. Inheritance: Various modes of inheritance.

gnomAD v4.1: 4 of 1,614,036 alleles (0.00025%); highest among the groups gnomAD compares: Non-Finnish European, 0.00034%; no homozygotes.

Submission:

Color Diagnostics, LLC DBA Color Health
Classification: Uncertain significance for Cardiomyopathy. Last evaluated: 2025-07-15. Review status: criteria provided, single submitter. Criteria: ACMG Guidelines, 2015. Collection method: clinical testing. Allele origin: germline.
Comment: This missense variant replaces asparagine with serine at codon 781 of the RYR2 protein. Computational prediction suggests that this variant may not impact protein structure and function. To our knowledge, functional studies have not been reported for this variant. This variant has been reported in an individual affected with hypertrophic cardiomyopathy (PMID: 25351510). This variant has not been identified in the general population by the Genome Aggregation Database (gnomAD). The available evidence is insufficient to determine the role of this variant in disease conclusively. Therefore, this variant is classified as a Variant of Uncertain Significance.

Literature cited by the submitters: PubMed 25351510.